The following is an entry in ClinVar:

NM_001177316.2(SLC34A3):c.560+27T>C

Gene: SLC34A3 (solute carrier family 34 member 3; plus strand). Cytogenetic location: 9q34.3.
Variant type: single nucleotide variant.
Coding change: c.560+27T>C on transcript NM_001177316.2 (MANE Select); 27 bases into the intron after coding-DNA position 560, T replaced by C.
Molecular consequence: intron variant.
Genome position (GRCh38, 1-based): chr9:137,233,142, T>C. VCF-style: chr9-137233142-T-C. GRCh37 (hg19) VCF-style: chr9-140127594-T-C.
Other names: c.560+27T>C (NM_001177317.2, NM_080877.3).
Identifiers: ClinVar variation 4997977 (VCV004997977.1).

ClinVar aggregate classification (germline): Likely benign (1 of 4 stars; one submission).

Conditions:
SLC34A3-related disorder. Also called: SLC34A3-related condition.

Submission:

PreventionGenetics, part of Exact Sciences
Classification: Likely benign for SLC34A3-related condition. Last evaluated: 2024-11-24. Review status: criteria provided, single submitter. Criteria: ACMG Guidelines, 2015. Collection method: clinical testing. Allele origin: germline.
Comment: This variant is classified as likely benign based on ACMG/AMP sequence variant interpretation guidelines (Richards et al. 2015 PMID: 25741868, with internal and published modifications).